The following is an entry in ClinVar:

NM_000969.5(RPL5):c.705G>A (p.Met235Ile)

Genes: DIPK1A (divergent protein kinase domain 1A; minus strand), RPL5 (ribosomal protein L5; plus strand). Cytogenetic location: 1p22.1.
Variant type: single nucleotide variant.
Coding change: c.705G>A on transcript NM_000969.5 (MANE Select); coding-DNA position 705, G replaced by A.
Protein change: p.Met235Ile; replaces methionine 235 with isoleucine.
Molecular consequence: missense variant. On other transcripts: non-coding transcript variant (1), intron variant (1).
Genome position (GRCh38, 1-based): chr1:92,837,633, G>A. VCF-style: chr1-92837633-G-A. GRCh37 (hg19) VCF-style: chr1-93303190-G-A.
Other names: c.475-4599C>T (NM_001252273.2); short protein forms M235I.
Identifiers: ClinVar variation 2797783 (VCV002797783.3), dbSNP rs1687180368, ClinGen allele CA341243168.

ClinVar aggregate classification (germline): Uncertain significance (1 of 4 stars; one submission).

Conditions:
Diamond-Blackfan anemia. Also called: Blackfan Diamond syndrome; Aregenerative anemia chronic congenital; Red cell aplasia, pure hereditary; Congenital hypoplastic anemia; Aase syndrome. Identifiers: Orphanet 124, MedGen C1260899, MeSH D029503, MONDO:0015253, HP:0004810.

Submission:

Labcorp Genetics (formerly Invitae), Labcorp
Classification: Uncertain significance for Diamond-Blackfan anemia. Last evaluated: 2023-04-14. Review status: criteria provided, single submitter. Criteria: Invitae Variant Classification Sherloc (09022015). Collection method: clinical testing. Allele origin: germline.
Comment: In summary, the available evidence is currently insufficient to determine the role of this variant in disease. Therefore, it has been classified as a Variant of Uncertain Significance. Variants that disrupt the consensus splice site are a relatively common cause of aberrant splicing (PMID: 17576681, 9536098). Algorithms developed to predict the effect of sequence changes on RNA splicing suggest that this variant may disrupt the consensus splice site. An algorithm developed to predict the effect of missense changes on protein structure and function (PolyPhen-2) suggests that this variant is likely to be disruptive. This variant has not been reported in the literature in individuals affected with RPL5-related conditions. This variant is not present in population databases (gnomAD no frequency). This sequence change replaces methionine, which is neutral and non-polar, with isoleucine, which is neutral and non-polar, at codon 235 of the RPL5 protein (p.Met235Ile). This variant also falls at the last nucleotide of exon 6, which is part of the consensus splice site for this exon.

Literature cited by the submitters: PubMed 17576681; PubMed 9536098.